The following is an entry in ClinVar:

NM_004237.4(TRIP13):c.320C>A (p.Pro107His)

Gene: TRIP13 (thyroid hormone receptor interactor 13; plus strand). Cytogenetic location: 5p15.33.
Variant type: single nucleotide variant.
Coding change: c.320C>A on transcript NM_004237.4 (MANE Select); coding-DNA position 320, C replaced by A.
Protein change: p.Pro107His; replaces proline 107 with histidine.
Molecular consequence: missense variant.
Genome position (GRCh38, 1-based): chr5:896,726, C>A. VCF-style: chr5-896726-C-A. GRCh37 (hg19) VCF-style: chr5-896841-C-A.
Other names: c.320C>A, p.Pro107His (NM_001166260.2); short protein forms P107H.
Identifiers: ClinVar variation 4754954 (VCV004754954.1).

ClinVar aggregate classification (germline): Uncertain significance (1 of 4 stars; one submission).

gnomAD v4.1: 9 of 1,613,864 alleles (0.00056%); highest among the groups gnomAD compares: East Asian, 0.0022%; no homozygotes.

Submission:

Labcorp Genetics (formerly Invitae), Labcorp
Classification: Uncertain significance. Last evaluated: 2025-10-28. Review status: criteria provided, single submitter. Criteria: Invitae Variant Classification Sherloc (09022015). Collection method: clinical testing. Allele origin: germline.
Comment: This sequence change replaces proline, which is neutral and non-polar, with histidine, which is basic and polar, at codon 107 of the TRIP13 protein (p.Pro107His). This variant is present in population databases (rs779251514, gnomAD 0.006%). This variant has not been reported in the literature in individuals affected with TRIP13-related conditions. An algorithm developed to predict the effect of missense changes on protein structure and function (PolyPhen-2) suggests that this variant is likely to be disruptive. In summary, the available evidence is currently insufficient to determine the role of this variant in disease. Therefore, it has been classified as a Variant of Uncertain Significance.